The following is an entry in ClinVar:

NM_001267550.2(TTN):c.29457G>T (p.Glu9819Asp)

Gene: TTN (titin; minus strand). Cytogenetic location: 2q31.2.
Variant type: single nucleotide variant.
Coding change: c.29457G>T on transcript NM_001267550.2 (MANE Select); coding-DNA position 29457, G replaced by T.
Protein change: p.Glu9819Asp; replaces glutamic acid 9819 with aspartic acid.
Molecular consequence: missense variant. On other transcripts: intron variant (3).
Genome position (GRCh38, 1-based): chr2:178,705,321, C>A on the plus strand (G>T on the coding strand, the complement: TTN is on the minus strand). VCF-style: chr2-178705321-C-A. GRCh37 (hg19) VCF-style: chr2-179570048-C-A.
Other names: c.28506G>T, p.Glu9502Asp (NM_001256850.1); c.25725G>T, p.Glu8575Asp (NM_133378.4); c.13282+32761G>T (NM_003319.4); c.13858+32761G>T (NM_133437.4); c.13657+32761G>T (NM_133432.3); short protein forms E8575D, E9502D, E9819D.
Identifiers: ClinVar variation 4982383 (VCV004982383.1).
Genomic context (GRCh38, chr2:178,705,321, plus strand): 5'-GGCATATTTTTCATATTCTTTAGGATCAACATTTTTGAGAAGTTCCATGATATCAATTTC[C>A]TCTTCTTCTCCAGCTCCTTTCTTTAAGATTGGAGTCCTAAATAAAATTTAAAAAGTAAGG-3'
Protein context (NP_001254479.2, residues 9809-9829): PILKKGAGEE[Glu9819Asp]EIDIMELLKN

ClinVar aggregate classification (germline): Uncertain significance (1 of 4 stars; one submission).

Conditions:
TTN-related disorder. Also called: TTN-related disorders; TTN-related condition; TTN-related disease.

gnomAD v4.1: 19 of 1,607,408 alleles (0.0012%); highest among the groups gnomAD compares: Non-Finnish European, 0.0015%; no homozygotes.

Submission:

PreventionGenetics, part of Exact Sciences
Classification: Uncertain significance for TTN-related condition. Last evaluated: 2025-12-11. Review status: criteria provided, single submitter. Criteria: ACMG Guidelines, 2015. Collection method: clinical testing. Allele origin: germline.
Comment: The TTN c.29457G>T variant is predicted to result in the amino acid substitution p.Glu9819Asp. To our knowledge, this variant has not been reported in the literature. This variant is reported in 0.0016% of alleles in individuals of European (Non-Finnish) descent in gnomAD. At this time, the clinical significance of this variant is uncertain due to the absence of conclusive functional and genetic evidence.